The following is an entry in ClinVar:

NM_133261.3(GIPC3):c.545A>C (p.Lys182Thr)

Gene: GIPC3 (GIPC PDZ domain containing family member 3; plus strand). Cytogenetic location: 19p13.3.
Variant type: single nucleotide variant.
Coding change: c.545A>C on transcript NM_133261.3 (MANE Select); coding-DNA position 545, A replaced by C.
Protein change: p.Lys182Thr; replaces lysine 182 with threonine.
Molecular consequence: missense variant.
Genome position (GRCh38, 1-based): chr19:3,586,947, A>C. VCF-style: chr19-3586947-A-C. GRCh37 (hg19) VCF-style: chr19-3586945-A-C.
Other names: short protein forms K182T.
Identifiers: ClinVar variation 517596 (VCV000517596.7), dbSNP rs904746365, ClinGen allele CA304415353.
Genomic context (GRCh38, chr19:3,586,947, plus strand): 5'-ACCACTCCATTGTGGGCTGCCGCCACTACGAGGTGGCCAAGATGCTCCGGGAGCTGCCCA[A>C]GTCCCAGCCCTTCACCCTGCGCCTGGTGCAGCCCAAGAGGGCCTTCGGTGAGGCGGGTGG-3'
Protein context (NP_573568.1, residues 172-192): EVAKMLRELP[Lys182Thr]SQPFTLRLVQ

ClinVar aggregate classification (germline): Uncertain significance. Review status: criteria provided, multiple submitters, no conflicts (2 of 4 stars). 3 submissions from 3 submitters: Uncertain significance (3). Last evaluated 2022-01-04.

Conditions:
Autosomal recessive nonsyndromic hearing loss 15. Also called: DEAFNESS, AUTOSOMAL RECESSIVE 72; DEAFNESS, AUTOSOMAL RECESSIVE 95; DEAFNESS, AUTOSOMAL RECESSIVE 15. Identifiers: Orphanet 90636, MedGen C1866094, MONDO:0011160, OMIM 601869.
Inborn genetic diseases. Identifiers: MedGen C0950123, MeSH D030342.

Allele frequency attached by ClinVar (database versions not stated): gnomAD exomes 0.00001; TOPMed 0.00002.
gnomAD v4.1: 4 of 1,613,204 alleles (0.00025%); highest among the groups gnomAD compares: Admixed American, 0.0067%; no homozygotes.

Submissions (3):

Ambry Genetics
Classification: Uncertain significance for Inborn genetic diseases. Last evaluated: 2022-01-04. Review status: criteria provided, single submitter. Criteria: Ambry Variant Classification Scheme 2023. Collection method: clinical testing. Allele origin: germline.

Fulgent Genetics
Classification: Uncertain significance for Autosomal recessive nonsyndromic hearing loss 15. Last evaluated: 2018-10-31. Review status: criteria provided, single submitter. Criteria: ACMG Guidelines, 2015. Collection method: clinical testing. Allele origin: unknown.

Laboratory for Molecular Medicine, Mass General Brigham Personalized Medicine
Classification: Uncertain significance. Last evaluated: 2018-10-29. Review status: criteria provided, single submitter. Criteria: LMM Criteria. Collection method: clinical testing. Allele origin: germline. Observed: 1 variant allele.
Comment: proposed classification - variant undergoing re-assessment, contact laboratory